The following is an entry in ClinVar:

ClinVar aggregate classification (germline): Uncertain significance. Review status: criteria provided, multiple submitters, no conflicts (2 of 4 stars). 2 submissions from 2 submitters: Uncertain significance (2). Last evaluated 2024-03-18.

Conditions:
Inborn genetic diseases. Identifiers: MedGen C0950123, MeSH D030342.

Allele frequency attached by ClinVar (database versions not stated): gnomAD 0.00001; TOPMed 0.00001; gnomAD exomes 0.00002.
gnomAD v4.1: 29 of 1,607,524 alleles (0.0018%); highest among the groups gnomAD compares: Non-Finnish European, 0.0025%; no homozygotes.

Submissions (2):

Ambry Genetics
Classification: Uncertain significance for Inborn genetic diseases. Last evaluated: 2024-03-18. Review status: criteria provided, single submitter. Criteria: Ambry Variant Classification Scheme 2023. Collection method: clinical testing. Allele origin: germline.

Labcorp Genetics (formerly Invitae), Labcorp
Classification: Uncertain significance. Last evaluated: 2022-06-27. Review status: criteria provided, single submitter. Criteria: Invitae Variant Classification Sherloc (09022015). Collection method: clinical testing. Allele origin: germline.
Comment: This sequence change replaces valine, which is neutral and non-polar, with alanine, which is neutral and non-polar, at codon 142 of the DGAT1 protein (p.Val142Ala). This variant is not present in population databases (gnomAD no frequency). This variant has not been reported in the literature in individuals affected with DGAT1-related conditions. Algorithms developed to predict the effect of missense changes on protein structure and function output the following: SIFT: "Tolerated"; PolyPhen-2: "Benign"; Align-GVGD: "Class C0". The alanine amino acid residue is found in multiple mammalian species, which suggests that this missense change does not adversely affect protein function. In summary, the available evidence is currently insufficient to determine the role of this variant in disease. Therefore, it has been classified as a Variant of Uncertain Significance.

NM_012079.6(DGAT1):c.425T>C (p.Val142Ala)

Gene: DGAT1 (diacylglycerol O-acyltransferase 1; minus strand). Cytogenetic location: 8q24.3.
Variant type: single nucleotide variant.
Coding change: c.425T>C on transcript NM_012079.6 (MANE Select); coding-DNA position 425, T replaced by C.
Protein change: p.Val142Ala; replaces valine 142 with alanine.
Molecular consequence: missense variant.
Genome position (GRCh38, 1-based): chr8:144,318,742, A>G on the plus strand (T>C on the coding strand, the complement: DGAT1 is on the minus strand). VCF-style: chr8-144318742-A-G. GRCh37 (hg19) VCF-style: chr8-145542405-A-G.
Other names: c.425T>C (NM_012079.4); short protein forms V142A.
Identifiers: ClinVar variation 1379547 (VCV001379547.4), dbSNP rs1474773496, ClinGen allele CA372612627.
Genomic context (GRCh38, chr8:144,318,742, plus strand): 5'-TGAGGGGCACTGCTTACCACCGCCAGGCGCTTCTCAACCTGGAATGCAGCCACAGCAAAG[A>G]CATTGGCCGCTGTGGACAGAAGCACCAAGGGGCAGGTTTAGGGCCACGTCAGCCTGATCC-3'
Protein context (NP_036211.2, residues 132-152): PAPCLVIAAN[Val142Ala]FAVAAFQVEK